The following is an entry in ClinVar:

NM_033004.4(NLRP1):c.63_77del (p.Lys22_Leu26del)

Genes: NLRP1 (NLR family pyrin domain containing 1; minus strand), LOC126862475 (CDK7 strongly-dependent group 2 enhancer GRCh37_chr17:5487167-5488366; plus strand). Cytogenetic location: 17p13.2.
Variant type: Deletion.
Coding change: c.63_77del on transcript NM_033004.4 (MANE Select); coding-DNA positions 63 to 77, 15 bases deleted (GAAGGAGTTCCAGCT).
Protein change: p.Lys22_Leu26del.
Molecular consequence: inframe deletion.
Genome position (GRCh38, 1-based): chr17:5,583,881-5,583,895, AGCTGGAACTCCTTC deleted on the plus strand (GAAGGAGTTCCAGCT on the coding strand, the reverse complement: NLRP1 is on the minus strand); deleting any 15 consecutive bases within chr17:5,583,881-5,583,899 gives the same sequence; the c. name uses the placement nearest the transcript's 3' end. VCF-style (leftmost placement, unchanged base first): chr17-5583880-AAGCTGGAACTCCTTC-A. GRCh37 (hg19) VCF-style: chr17-5487200-AAGCTGGAACTCCTTC-A.
Other names: c.63_77del, p.Lys22_Leu26del (NM_001033053.3, NM_014922.5, NM_033006.4 and 1 more transcripts).
Identifiers: ClinVar variation 2836476 (VCV002836476.3), dbSNP rs2508144804, ClinGen allele CA2739267080.

ClinVar aggregate classification (germline): Uncertain significance (1 of 4 stars; one submission).

Submission:

Labcorp Genetics (formerly Invitae), Labcorp
Classification: Uncertain significance. Last evaluated: 2023-02-11. Review status: criteria provided, single submitter. Criteria: Invitae Variant Classification Sherloc (09022015). Collection method: clinical testing. Allele origin: germline.
Comment: Experimental studies and prediction algorithms are not available or were not evaluated, and the functional significance of this variant is currently unknown. This variant, c.63_77del, results in the deletion of 5 amino acid(s) of the NLRP1 protein (p.Lys22_Leu26del), but otherwise preserves the integrity of the reading frame. This variant is not present in population databases (gnomAD no frequency). This variant has not been reported in the literature in individuals affected with NLRP1-related conditions. In summary, the available evidence is currently insufficient to determine the role of this variant in disease. Therefore, it has been classified as a Variant of Uncertain Significance.